The following is an entry in ClinVar:

ClinVar aggregate classification (germline): Pathogenic (1 of 4 stars; one submission).

Conditions:
Norman-Roberts syndrome (LIS2). Also called: Lissencephaly 2 (Norman-Roberts type). Identifiers: Orphanet 89844, MedGen C0796089, MONDO:0009760, OMIM 257320.
Familial temporal lobe epilepsy 7. Identifiers: Orphanet 101046, MedGen C4225327, MONDO:0014639, OMIM 616436.

Submission:

Labcorp Genetics (formerly Invitae), Labcorp
Classification: Pathogenic for Familial temporal lobe epilepsy 7; Norman-Roberts syndrome. Last evaluated: 2025-04-21. Review status: criteria provided, single submitter. Criteria: Invitae Variant Classification Sherloc (09022015). Collection method: clinical testing. Allele origin: germline.
Comment: This sequence change creates a premature translational stop signal (p.Gln881*) in the RELN gene. It is expected to result in an absent or disrupted protein product. Loss-of-function variants in RELN are known to be pathogenic (PMID: 10973257, 26046367, 28454995). This variant is not present in population databases (gnomAD no frequency). This variant has not been reported in the literature in individuals affected with RELN-related conditions. For these reasons, this variant has been classified as Pathogenic.

Literature cited by the submitters: PubMed 10973257; PubMed 26046367; PubMed 28454995.

NM_005045.4(RELN):c.2641C>T (p.Gln881Ter)

Gene: RELN (reelin; minus strand). Cytogenetic location: 7q22.1.
Variant type: single nucleotide variant.
Coding change: c.2641C>T on transcript NM_005045.4 (MANE Select); coding-DNA position 2641, C replaced by T.
Protein change: p.Gln881Ter; replaces glutamine 881 with a stop codon.
Molecular consequence: nonsense.
Genome position (GRCh38, 1-based): chr7:103,630,001, G>A on the plus strand (C>T on the coding strand, the complement: RELN is on the minus strand). VCF-style: chr7-103630001-G-A. GRCh37 (hg19) VCF-style: chr7-103270448-G-A.
Other names: c.2641C>T, p.Gln881Ter (NM_173054.3); short protein forms Q881*.
Identifiers: ClinVar variation 4784781 (VCV004784781.1).